The following is an entry in ClinVar:

NM_015272.5(RPGRIP1L):c.562A>G (p.Thr188Ala)

Gene: RPGRIP1L (RPGRIP1 like; minus strand). Cytogenetic location: 16q12.2.
Variant type: single nucleotide variant.
Coding change: c.562A>G on transcript NM_015272.5 (MANE Select); coding-DNA position 562, A replaced by G.
Protein change: p.Thr188Ala; replaces threonine 188 with alanine.
Molecular consequence: missense variant.
Genome position (GRCh38, 1-based): chr16:53,687,933, T>C on the plus strand (A>G on the coding strand, the complement: RPGRIP1L is on the minus strand). VCF-style: chr16-53687933-T-C. GRCh37 (hg19) VCF-style: chr16-53721845-T-C.
Other names: c.562A>G, p.Thr188Ala (NM_001127897.4, NM_001308334.3, NM_001330538.2); short protein forms T188A.
Identifiers: ClinVar variation 1982387 (VCV001982387.3), dbSNP rs761917499, ClinGen allele CA8058083.

ClinVar aggregate classification (germline): Uncertain significance (1 of 4 stars; one submission).

Conditions:
Joubert syndrome. Also called: CEREBELLOPARENCHYMAL DISORDER IV; JOUBERT-BOLTSHAUSER SYNDROME; Familial aplasia of the vermis. Identifiers: Orphanet 475, MedGen C5979921, MONDO:0018772.
Meckel-Gruber syndrome. Also called: DYSENCEPHALIA SPLANCHNOCYSTICA; GRUBER SYNDROME; Dysencephalia splachnocystica. Identifiers: Orphanet 564, MedGen C0265215, MONDO:0018921.

Allele frequency attached by ClinVar (database versions not stated): gnomAD exomes 0.00001; TOPMed 0.00001; ExAC 0.00002.
gnomAD v4.1: 8 of 1,610,376 alleles (0.0005%); highest among the groups gnomAD compares: Non-Finnish European, 0.00068%; no homozygotes.

Submission:

Labcorp Genetics (formerly Invitae), Labcorp
Classification: Uncertain significance for Joubert syndrome; Meckel-Gruber syndrome. Last evaluated: 2025-03-10. Review status: criteria provided, single submitter. Criteria: Invitae Variant Classification Sherloc (09022015). Collection method: clinical testing. Allele origin: germline.
Comment: This sequence change replaces threonine, which is neutral and polar, with alanine, which is neutral and non-polar, at codon 188 of the RPGRIP1L protein (p.Thr188Ala). This variant is present in population databases (rs761917499, gnomAD 0.004%). This variant has not been reported in the literature in individuals affected with RPGRIP1L-related conditions. ClinVar contains an entry for this variant (Variation ID: 1982387). Invitae Evidence Modeling of protein sequence and biophysical properties (such as structural, functional, and spatial information, amino acid conservation, physicochemical variation, residue mobility, and thermodynamic stability) indicates that this missense variant is not expected to disrupt RPGRIP1L protein function with a negative predictive value of 80%. In summary, the available evidence is currently insufficient to determine the role of this variant in disease. Therefore, it has been classified as a Variant of Uncertain Significance.